The following is an entry in ClinVar:

NM_001206927.2(DNAH8):c.2185C>G (p.Pro729Ala)

Gene: DNAH8 (dynein axonemal heavy chain 8; plus strand). Cytogenetic location: 6p21.2.
Variant type: single nucleotide variant.
Coding change: c.2185C>G on transcript NM_001206927.2 (MANE Select); coding-DNA position 2185, C replaced by G.
Protein change: p.Pro729Ala; replaces proline 729 with alanine.
Molecular consequence: missense variant.
Genome position (GRCh38, 1-based): chr6:38,781,299, C>G. VCF-style: chr6-38781299-C-G. GRCh37 (hg19) VCF-style: chr6-38749075-C-G.
Other names: c.1534C>G, p.Pro512Ala (NM_001371.4); short protein forms P729A, P512A.
Identifiers: ClinVar variation 578557 (VCV000578557.8), dbSNP rs866179461, ClinGen allele CA137570469.

ClinVar aggregate classification (germline): Uncertain significance (1 of 4 stars; one submission).

Conditions:
Primary ciliary dyskinesia. Also called: Ciliary dyskinesia. Identifiers: Orphanet 244, MedGen C0008780, MONDO:0016575, HP:0012265.

Allele frequency attached by ClinVar (database versions not stated): gnomAD exomes below 0.00001 and 0.00002; TOPMed 0.00002.
gnomAD v4.1: 6 of 1,613,740 alleles (0.00037%); highest among the groups gnomAD compares: Admixed American, 0.01%; no homozygotes.

Submission:

Labcorp Genetics (formerly Invitae), Labcorp
Classification: Uncertain significance for Primary ciliary dyskinesia. Last evaluated: 2024-12-02. Review status: criteria provided, single submitter. Criteria: Invitae Variant Classification Sherloc (09022015). Collection method: clinical testing. Allele origin: germline.
Comment: This sequence change replaces proline, which is neutral and non-polar, with alanine, which is neutral and non-polar, at codon 729 of the DNAH8 protein (p.Pro729Ala). This variant is present in population databases (no rsID available, gnomAD 0.01%). This variant has not been reported in the literature in individuals affected with DNAH8-related conditions. ClinVar contains an entry for this variant (Variation ID: 578557). Experimental studies and prediction algorithms are not available or were not evaluated, and the functional significance of this variant is currently unknown. In summary, the available evidence is currently insufficient to determine the role of this variant in disease. Therefore, it has been classified as a Variant of Uncertain Significance.